The following is an entry in ClinVar:

NM_004817.4(TJP2):c.1570C>T (p.Arg524Trp)

Gene: TJP2 (tight junction protein 2; plus strand). Cytogenetic location: 9q21.11.
Variant type: single nucleotide variant.
Coding change: c.1570C>T on transcript NM_004817.4 (MANE Select); coding-DNA position 1570, C replaced by T.
Protein change: p.Arg524Trp; replaces arginine 524 with tryptophan.
Molecular consequence: missense variant.
Genome position (GRCh38, 1-based): chr9:69,230,131, C>T. VCF-style: chr9-69230131-C-T. GRCh37 (hg19) VCF-style: chr9-71845047-C-T.
Other names: c.1501C>T, p.Arg501Trp (NM_001170414.2, NM_001369871.1); c.1582C>T, p.Arg528Trp (NM_001170415.1, NM_001369874.1, NM_001369875.1); c.1663C>T, p.Arg555Trp (NM_001170416.2); c.1495C>T, p.Arg499Trp (NM_001369870.1); c.1570C>T, p.Arg524Trp (NM_001369872.1, NM_001369873.1, NM_201629.3); short protein forms R501W, R499W, R555W, R524W, R528W.
Identifiers: ClinVar variation 4702518 (VCV004702518.1).
Genomic context (GRCh38, chr9:69,230,131, plus strand): 5'-ACCTATTGCAGCCCTAATACCAAAATGGTAAGGTTCAAGAAGGGAGACAGCGTGGGCCTC[C>T]GGTTGGCTGGTGGCAATGATGTCGGGATATTTGTTGCTGGCATTCAAGAAGGGACCTCGG-3'
Protein context (NP_004808.2, residues 514-534): RFKKGDSVGL[Arg524Trp]LAGGNDVGIF

ClinVar aggregate classification (germline): Uncertain significance (1 of 4 stars; one submission).

gnomAD v4.1: 9 of 1,614,062 alleles (0.00056%); highest among the groups gnomAD compares: South Asian, 0.0022%; no homozygotes.

Submission:

Labcorp Genetics (formerly Invitae), Labcorp
Classification: Uncertain significance. Last evaluated: 2025-11-15. Review status: criteria provided, single submitter. Criteria: Invitae Variant Classification Sherloc (09022015). Collection method: clinical testing. Allele origin: germline.
Comment: This sequence change replaces arginine, which is basic and polar, with tryptophan, which is neutral and slightly polar, at codon 524 of the TJP2 protein (p.Arg524Trp). This variant is not present in population databases (gnomAD no frequency). This variant has not been reported in the literature in individuals affected with TJP2-related conditions. Invitae Evidence Modeling of protein sequence and biophysical properties (such as structural, functional, and spatial information, amino acid conservation, physicochemical variation, residue mobility, and thermodynamic stability) indicates that this missense variant is not expected to disrupt TJP2 protein function with a negative predictive value of 80%. In summary, the available evidence is currently insufficient to determine the role of this variant in disease. Therefore, it has been classified as a Variant of Uncertain Significance.